The following is an entry in ClinVar:

ClinVar aggregate classification (germline): Uncertain significance (1 of 4 stars; one submission).

gnomAD v4.1: 2 of 1,613,988 alleles (0.00012%); highest among the groups gnomAD compares: Non-Finnish European, 0.00017%; no homozygotes.

Submission:

Labcorp Genetics (formerly Invitae), Labcorp
Classification: Uncertain significance. Last evaluated: 2025-04-03. Review status: criteria provided, single submitter. Criteria: Invitae Variant Classification Sherloc (09022015). Collection method: clinical testing. Allele origin: germline.
Comment: This sequence change replaces valine, which is neutral and non-polar, with methionine, which is neutral and non-polar, at codon 746 of the RFWD3 protein (p.Val746Met). This variant is not present in population databases (gnomAD no frequency). This variant has not been reported in the literature in individuals affected with RFWD3-related conditions. An algorithm developed to predict the effect of missense changes on protein structure and function (PolyPhen-2) suggests that this variant is likely to be disruptive. In summary, the available evidence is currently insufficient to determine the role of this variant in disease. Therefore, it has been classified as a Variant of Uncertain Significance.

NM_018124.4(RFWD3):c.2236G>A (p.Val746Met)

Gene: RFWD3 (ring finger and WD repeat domain 3; minus strand). Cytogenetic location: 16q23.1.
Variant type: single nucleotide variant.
Coding change: c.2236G>A on transcript NM_018124.4 (MANE Select); coding-DNA position 2236, G replaced by A.
Protein change: p.Val746Met; replaces valine 746 with methionine.
Molecular consequence: missense variant.
Genome position (GRCh38, 1-based): chr16:74,624,017, C>T on the plus strand (G>A on the coding strand, the complement: RFWD3 is on the minus strand). VCF-style: chr16-74624017-C-T. GRCh37 (hg19) VCF-style: chr16-74657915-C-T.
Other names: c.2236G>A, p.Val746Met (NM_001370534.1, NM_001370535.1); c.2059G>A, p.Val687Met (NM_001370536.1); c.1402G>A, p.Val468Met (NM_001370537.1, NM_001370539.1, NM_001370540.1 and 2 more transcripts); short protein forms V468M, V687M, V746M.
Identifiers: ClinVar variation 4764609 (VCV004764609.1).
Genomic context (GRCh38, chr16:74,624,017, plus strand): 5'-TCTCTGTTAAGGTAGCCAAGTAGCTGTTACGGTTCACCTCAAATGGGCAGATGTCCAACA[C>T]AGGCTGATCGGTCTGTAGGTCCTGGAGCAACGAGCCACTGGCAGCATCCCACAGCTAAAG-3'
Protein context (NP_060594.3, residues 736-756): LLQDLQTDQP[Val746Met]LDICPFEVNR